The following is an entry in ClinVar:

ClinVar aggregate classification (germline): Uncertain significance (1 of 4 stars; one submission).

Conditions:
Inborn genetic diseases. Identifiers: MedGen C0950123, MeSH D030342.

Submission:

Ambry Genetics
Classification: Uncertain significance for Inborn genetic diseases. Last evaluated: 2025-06-14. Review status: criteria provided, single submitter. Criteria: Ambry Variant Classification Scheme 2023. Collection method: clinical testing. Allele origin: germline.
Comment: The p.N761D variant (also known as c.2281A>G), located in coding exon 21 of the ANKRD26 gene, results from an A to G substitution at nucleotide position 2281. The asparagine at codon 761 is replaced by aspartic acid, an amino acid with highly similar properties. This amino acid position is conserved. In addition, this alteration is predicted to be tolerated by in silico analysis. Based on the available evidence, the clinical significance of this variant remains unclear.

NM_014915.3(ANKRD26):c.2281A>G (p.Asn761Asp)

Gene: ANKRD26 (ankyrin repeat domain containing 26; minus strand). Cytogenetic location: 10p12.1.
Variant type: single nucleotide variant.
Coding change: c.2281A>G on transcript NM_014915.3 (MANE Select); coding-DNA position 2281, A replaced by G.
Protein change: p.Asn761Asp; replaces asparagine 761 with aspartic acid.
Molecular consequence: missense variant.
Genome position (GRCh38, 1-based): chr10:27,040,059, T>C on the plus strand (A>G on the coding strand, the complement: ANKRD26 is on the minus strand). VCF-style: chr10-27040059-T-C. GRCh37 (hg19) VCF-style: chr10-27328988-T-C.
Other names: c.2278A>G, p.Asn760Asp (NM_001256053.2); short protein forms N761D, N760D.
Identifiers: ClinVar variation 3915346 (VCV003915346.1).